The following is an entry in ClinVar:

NM_001267550.2(TTN):c.1619C>G (p.Ser540Cys)

Gene: TTN (titin; minus strand). Cytogenetic location: 2q31.2.
Variant type: single nucleotide variant.
Coding change: c.1619C>G on transcript NM_001267550.2 (MANE Select); coding-DNA position 1619, C replaced by G.
Protein change: p.Ser540Cys; replaces serine 540 with cysteine.
Molecular consequence: missense variant.
Genome position (GRCh38, 1-based): chr2:178,792,115, G>C on the plus strand (C>G on the coding strand, the complement: TTN is on the minus strand). VCF-style: chr2-178792115-G-C. GRCh37 (hg19) VCF-style: chr2-179656842-G-C.
Other names: c.1619C>G, p.Ser540Cys (NM_001256850.1, NM_003319.4, NM_133378.4 and 3 more transcripts); short protein forms S540C.
Identifiers: ClinVar variation 5008448 (VCV005008448.1).

ClinVar aggregate classification (germline): Uncertain significance (1 of 4 stars; one submission).

gnomAD v4.1: 1 of 1,612,566 alleles (0.000062%); highest among the groups gnomAD compares: East Asian, 0.0022%; no homozygotes.

Submission:

GeneDx
Classification: Uncertain significance. Last evaluated: 2026-03-12. Review status: criteria provided, single submitter. Criteria: GeneDx Variant Classification Process June 2021. Collection method: clinical testing. Allele origin: germline.
Comment: Not observed at significant frequency in large population cohorts (gnomAD); Missense variant in a gene in which most reported pathogenic variants are truncating/loss of function; Has not been previously published as pathogenic or benign to our knowledge